The following is an entry in ClinVar:

NM_004333.6(BRAF):c.125C>T (p.Ala42Val)

Gene: BRAF (B-Raf proto-oncogene, serine/threonine kinase; minus strand). Cytogenetic location: 7q34.
Variant type: single nucleotide variant.
Coding change: c.125C>T on transcript NM_004333.6 (MANE Select); coding-DNA position 125, C replaced by T.
Protein change: p.Ala42Val; replaces alanine 42 with valine.
Molecular consequence: missense variant.
Genome position (GRCh38, 1-based): chr7:140,924,579, G>A on the plus strand (C>T on the coding strand, the complement: BRAF is on the minus strand). VCF-style: chr7-140924579-G-A. GRCh37 (hg19) VCF-style: chr7-140624379-G-A.
Other names: c.125C>T, p.Ala42Val (NM_001354609.2, NM_001374244.1, NM_001374258.1 and 7 more transcripts); short protein forms A42V.
Identifiers: ClinVar variation 2730988 (VCV002730988.3), dbSNP rs2129153147, ClinGen allele CA369590052.

ClinVar aggregate classification (germline): Uncertain significance (1 of 4 stars; one submission).

Conditions:
RASopathy. Also called: rasopathies; Noonan spectrum disorder. Identifiers: Orphanet 536391, MedGen C5555857, MONDO:0021060.

Submission:

Labcorp Genetics (formerly Invitae), Labcorp
Classification: Uncertain significance for RASopathy. Last evaluated: 2023-06-27. Review status: criteria provided, single submitter. Criteria: Invitae Variant Classification Sherloc (09022015). Collection method: clinical testing. Allele origin: germline.
Comment: This sequence change replaces alanine, which is neutral and non-polar, with valine, which is neutral and non-polar, at codon 42 of the BRAF protein (p.Ala42Val). This variant is not present in population databases (gnomAD no frequency). This variant has not been reported in the literature in individuals affected with BRAF-related conditions. Advanced modeling of protein sequence and biophysical properties (such as structural, functional, and spatial information, amino acid conservation, physicochemical variation, residue mobility, and thermodynamic stability) performed at Invitae indicates that this missense variant is expected to disrupt BRAF protein function. In summary, the available evidence is currently insufficient to determine the role of this variant in disease. Therefore, it has been classified as a Variant of Uncertain Significance.